The following is an entry in ClinVar:

NM_003072.5(SMARCA4):c.466G>C (p.Gly156Arg)

Gene: SMARCA4 (SWI/SNF related BAF chromatin remodeling complex subunit ATPase 4; plus strand). Cytogenetic location: 19p13.2.
Variant type: single nucleotide variant.
Coding change: c.466G>C on transcript NM_003072.5 (MANE Select); coding-DNA position 466, G replaced by C.
Protein change: p.Gly156Arg; replaces glycine 156 with arginine.
Molecular consequence: missense variant. On other transcripts: non-coding transcript variant (1).
Genome position (GRCh38, 1-based): chr19:10,986,299, G>C. VCF-style: chr19-10986299-G-C. GRCh37 (hg19) VCF-style: chr19-11096975-G-C.
Other names: c.466G>C, p.Gly156Arg (NM_001128844.3, NM_001128845.2, NM_001128846.2 and 6 more transcripts); short protein forms G156R.
Identifiers: ClinVar variation 3446013 (VCV003446013.1).

ClinVar aggregate classification (germline): Uncertain significance (1 of 4 stars; one submission).

Conditions:
Hereditary cancer-predisposing syndrome. Also called: Tumor predisposition; Neoplastic Syndromes, Hereditary; Hereditary neoplastic syndrome; Hereditary Cancer Syndrome. Identifiers: Orphanet 140162, MedGen C0027672, MeSH D009386, MONDO:0015356.

Submission:

Ambry Genetics
Classification: Uncertain significance for Hereditary cancer-predisposing syndrome. Last evaluated: 2024-10-13. Review status: criteria provided, single submitter. Criteria: Ambry Variant Classification Scheme 2023. Collection method: clinical testing. Allele origin: germline.
Comment: The p.G156R variant (also known as c.466G>C), located in coding exon 3 of the SMARCA4 gene, results from a G to C substitution at nucleotide position 466. The glycine at codon 156 is replaced by arginine, an amino acid with dissimilar properties. This amino acid position is conserved. In addition, this alteration is predicted to be tolerated by in silico analysis. Based on the available evidence, the clinical significance of this variant remains unclear.